The following is an entry in ClinVar:

ClinVar aggregate classification (germline): Likely pathogenic (1 of 4 stars; one submission).

Conditions:
H syndrome. Also called: Pigmented hypertrichosis and insulin-dependent diabetes mellitus; HISTIOCYTOSIS AND LYMPHADENOPATHY WITH OR WITHOUT CUTANEOUS, CARDIAC, AND/OR ENDOCRINE FEATURES, JOINT CONTRACTURES, AND/OR DEAFNESS; HYPERPIGMENTATION, CUTANEOUS, WITH HYPERTRICHOSIS, HEPATOSPLENOMEGALY, HEART ANOMALIES, AND HYPOGONADISM WITH OR WITHOUT HEARING LOSS; PIGMENTED HYPERTRICHOSIS WITH INSULIN-DEPENDENT DIABETES MELLITUS; ROSAI-DORFMAN DISEASE, FAMILIAL; SINUS HISTIOCYTOSIS AND MASSIVE LYMPHADENOPATHY. Identifiers: Orphanet 168569, MedGen C1864445, MONDO:0011273, OMIM 602782.

Submission:

3billion
Classification: Likely pathogenic for H syndrome. Last evaluated: 2025-07-28. Review status: criteria provided, single submitter. Criteria: ACMG Guidelines, 2015. Collection method: clinical testing. Allele origin: germline. Affected: yes.
Comment: The variant is not observed in the gnomAD v4.1.0 dataset. Predicted Consequence/Location: Stop-gained (nonsense): predicted to result in a loss or disruption of normal protein function through protein truncation. The predicted truncated protein may be shortened by more than 10%. Therefore, this variant is classified as Likely pathogenic according to the recommendation of ACMG/AMP guideline.

NM_018344.6(SLC29A3):c.800delinsTTCTCCTCCCTGCAGGTACTACATGAGG (p.Ala267delinsValLeuLeuProAlaGlyThrThrTer)

Gene: SLC29A3 (solute carrier family 29 member 3; plus strand). Cytogenetic location: 10q22.1.
Variant type: Indel.
Coding change: c.800delinsTTCTCCTCCCTGCAGGTACTACATGAGG on transcript NM_018344.6 (MANE Select); coding-DNA position 800, C replaced by TTCTCCTCCCTGCAGGTACTACATGAGG.
Protein change: p.Ala267delinsValLeuLeuProAlaGlyThrThrTer.
Molecular consequence: nonsense. On other transcripts: 3 prime UTR variant (1), non-coding transcript variant (2).
Genome position (GRCh38, 1-based): chr10:71,361,980, C replaced by TTCTCCTCCCTGCAGGTACTACATGAGG. VCF-style: chr10-71361980-C-TTCTCCTCCCTGCAGGTACTACATGAGG. GRCh37 (hg19) VCF-style: chr10-73121737-C-TTCTCCTCCCTGCAGGTACTACATGAGG.
Other names: c.*29delinsTTCTCCTCCCTGCAGGTACTACATGAGG (NM_001174098.2); c.566delinsTTCTCCTCCCTGCAGGTACTACATGAGG, p.Ala189delinsValLeuLeuProAlaGlyThrThrTer (NM_001363518.2).
Identifiers: ClinVar variation 4854725 (VCV004854725.1).
Genomic context (GRCh38, chr10:71,361,980, plus strand): 5'-CCTGCTTGATGGTGGCCCTGTCTCCTCCCTGCAGGTACTACATGAGGCCTGTTCTTGCGG[C>TTCTCCTCCCTGCAGGTACTACATGAGG]CCATGTGTTTTCTGGTGAAGAGGAGCTTCCCCAGGACTCCCTCAGTGCCCCTTCGGTGGC-3'